The following is an entry in ClinVar:

ClinVar aggregate classification (germline): Pathogenic/Likely pathogenic. Review status: criteria provided, multiple submitters, no conflicts (2 of 4 stars). 2 submissions from 2 submitters: Pathogenic (1); Likely pathogenic (1). Last evaluated 2020-01-24.

Conditions:
Androgen resistance syndrome (AIS). Also called: ANDROGEN RECEPTOR DEFICIENCY; Androgen insensitivity syndrome; Androgen insensitivity, complete; Androgen insensitivity; DIHYDROTESTOSTERONE RECEPTOR DEFICIENCY; TESTICULAR FEMINIZATION SYNDROME. Identifiers: Orphanet 754, Orphanet 99429, MedGen C0039585, MONDO:0019154, OMIM 300068. Disease mechanism: loss of function.
Kennedy disease (SMAX1). Also called: SPINAL AND BULBAR MUSCULAR ATROPHY, X-LINKED 1; KENNEDY SPINAL AND BULBAR MUSCULAR ATROPHY; Spinal and Bulbar Muscular Atrophy. Identifiers: Orphanet 481, MedGen C1839259, MONDO:0010735, OMIM 313200.

Submissions (2):

Labcorp Genetics (formerly Invitae), Labcorp
Classification: Likely pathogenic for Kennedy disease; Androgen resistance syndrome. Last evaluated: 2020-01-24. Review status: criteria provided, single submitter. Criteria: Invitae Variant Classification Sherloc (09022015). Collection method: clinical testing. Allele origin: germline.
Comment: This sequence change replaces arginine with serine at codon 856 of the AR protein (p.Arg856Ser). The arginine residue is highly conserved and there is a moderate physicochemical difference between arginine and serine. This variant is not present in population databases (ExAC no frequency). In summary, the currently available evidence indicates that the variant is pathogenic, but additional data are needed to prove that conclusively. Therefore, this variant has been classified as Likely Pathogenic. This variant disrupts the p.Arg856 amino acid residue in AR. Other variant(s) that disrupt this residue have been determined to be pathogenic (PMID: 8097257, 24737579, 1430233, 24321103, 7581399). This suggests that this residue is clinically significant, and that variants that disrupt this residue are likely to be disease-causing. Algorithms developed to predict the effect of missense changes on protein structure and function are either unavailable or do not agree on the potential impact of this missense change (SIFT: "Deleterious"; PolyPhen-2: "Possibly Damaging"; Align-GVGD: "Class C0").

GeneDx
Classification: Pathogenic. Last evaluated: 2019-11-12. Review status: criteria provided, single submitter. Criteria: GeneDx Variant Classification Process June 2021. Collection method: clinical testing. Allele origin: germline. Affected: yes.
Comment: Not observed in large population cohorts (Lek et al., 2016); In silico analysis, which includes protein predictors and evolutionary conservation, supports a deleterious effect; The majority of missense variants in this gene are considered pathogenic (Stenson et al., 2014); Has not been previously published as pathogenic or benign to our knowledge

Literature cited by the submitters: PubMed 8097257 (cited by Labcorp Genetics (formerly Invitae), Labcorp); PubMed 24737579 (cited by Labcorp Genetics (formerly Invitae), Labcorp); PubMed 1430233 (cited by Labcorp Genetics (formerly Invitae), Labcorp); PubMed 24321103 (cited by Labcorp Genetics (formerly Invitae), Labcorp); PubMed 7581399 (cited by Labcorp Genetics (formerly Invitae), Labcorp).

NM_000044.6(AR):c.2566C>A (p.Arg856Ser)

Gene: AR (androgen receptor; plus strand). Cytogenetic location: Xq12.
Variant type: single nucleotide variant.
Coding change: c.2566C>A on transcript NM_000044.6 (MANE Select); coding-DNA position 2566, C replaced by A.
Protein change: p.Arg856Ser; replaces arginine 856 with serine.
Molecular consequence: missense variant.
Genome position (GRCh38, 1-based): chrX:67,722,943, C>A. VCF-style: chrX-67722943-C-A. GRCh37 (hg19) VCF-style: chrX-66942785-C-A.
Other names: c.970C>A, p.Arg324Ser (NM_001011645.3); short protein forms R856S, R324S.
Identifiers: ClinVar variation 951460 (VCV000951460.12), dbSNP rs886041132, ClinGen allele CA413428037.